The following is an entry in ClinVar:

NM_004999.4(MYO6):c.3207T>C (p.Ala1069=)

Gene: MYO6 (myosin VI; plus strand). Cytogenetic location: 6q14.1.
Variant type: single nucleotide variant.
Coding change: c.3207T>C on transcript NM_004999.4 (MANE Select); coding-DNA position 3207, T replaced by C.
Protein change: p.Ala1069=; no amino-acid change (alanine 1069 retained).
Molecular consequence: synonymous variant. On other transcripts: non-coding transcript variant (1).
Genome position (GRCh38, 1-based): chr6:75,907,635, T>C. VCF-style: chr6-75907635-T-C. GRCh37 (hg19) VCF-style: chr6-76617352-T-C.
Other names: c.3138T>C, p.Ala1046= (NM_001300899.2, NM_001368136.1); c.3195T>C, p.Ala1065= (NM_001368137.1); c.3123T>C, p.Ala1041= (NM_001368138.1); c.3234T>C, p.Ala1078= (NM_001368865.1, NM_001368866.1).
Identifiers: ClinVar variation 179684 (VCV000179684.4), dbSNP rs727505051, ClinGen allele CA184928.

ClinVar aggregate classification (germline): Likely benign (1 of 4 stars; one submission).

Allele frequency attached by ClinVar (database versions not stated): gnomAD exomes below 0.00001 and 0.00001.
gnomAD v4.1: 5 of 1,613,766 alleles (0.00031%); highest among the groups gnomAD compares: Non-Finnish European, 0.00042%; no homozygotes.

Submission:

Laboratory for Molecular Medicine, Mass General Brigham Personalized Medicine
Classification: Likely benign. Last evaluated: 2014-04-04. Review status: criteria provided, single submitter. Criteria: LMM Criteria. Collection method: clinical testing. Allele origin: germline. Observed: 1 variant allele.
Comment: Ala1069Ala in exon 31 of MYO6: This variant is not expected to have clinical si gnificance because it does not alter an amino acid residue and is not located wi thin the splice consensus sequence.